The following is an entry in ClinVar:

ClinVar aggregate classification (germline): Uncertain significance (1 of 4 stars; one submission).

gnomAD v4.1: 2 of 1,570,480 alleles (0.00013%); highest among the groups gnomAD compares: Non-Finnish European, 0.000086%; no homozygotes.

Submission:

Labcorp Genetics (formerly Invitae), Labcorp
Classification: Uncertain significance. Last evaluated: 2022-06-13. Review status: criteria provided, single submitter. Criteria: Invitae Variant Classification Sherloc (09022015). Collection method: clinical testing. Allele origin: germline.
Comment: This sequence change replaces isoleucine, which is neutral and non-polar, with valine, which is neutral and non-polar, at codon 3202 of the ADGRV1 protein (p.Ile3202Val). In summary, the available evidence is currently insufficient to determine the role of this variant in disease. Therefore, it has been classified as a Variant of Uncertain Significance. Algorithms developed to predict the effect of missense changes on protein structure and function are either unavailable or do not agree on the potential impact of this missense change (SIFT: "Deleterious"; PolyPhen-2: "Possibly Damaging"; Align-GVGD: "Class C0"). This variant has not been reported in the literature in individuals affected with ADGRV1-related conditions. This variant is not present in population databases (gnomAD no frequency).

NM_032119.4(ADGRV1):c.9604A>G (p.Ile3202Val)

Gene: ADGRV1 (adhesion G protein-coupled receptor V1; plus strand). Cytogenetic location: 5q14.3.
Variant type: single nucleotide variant.
Coding change: c.9604A>G on transcript NM_032119.4 (MANE Select); coding-DNA position 9604, A replaced by G.
Protein change: p.Ile3202Val; replaces isoleucine 3202 with valine.
Molecular consequence: missense variant. On other transcripts: non-coding transcript variant (1).
Genome position (GRCh38, 1-based): chr5:90,720,204, A>G. VCF-style: chr5-90720204-A-G. GRCh37 (hg19) VCF-style: chr5-90016021-A-G.
Other names: short protein forms I3202V.
Identifiers: ClinVar variation 1362370 (VCV001362370.6), dbSNP rs2149767522, ClinGen allele CA360400049.